The following is an entry in ClinVar:

ClinVar aggregate classification (germline): Uncertain significance. Review status: criteria provided, multiple submitters, no conflicts (2 of 4 stars). 2 submissions from 2 submitters: Uncertain significance (2). Last evaluated 2025-10-22.

Allele frequency attached by ClinVar (database versions not stated): gnomAD 0.00001; TOPMed 0.00002; ExAC 0.00003; gnomAD exomes 0.00003.
gnomAD v4.1: 20 of 1,614,030 alleles (0.0012%); highest among the groups gnomAD compares: Admixed American, 0.033%; no homozygotes.

Submissions (2):

Ambry Genetics
Classification: Uncertain significance. Last evaluated: 2025-10-22. Review status: criteria provided, single submitter. Criteria: Ambry Variant Classification Scheme 2023. Collection method: clinical testing. Allele origin: germline.

Labcorp Genetics (formerly Invitae), Labcorp
Classification: Uncertain significance. Last evaluated: 2023-10-22. Review status: criteria provided, single submitter. Criteria: Invitae Variant Classification Sherloc (09022015). Collection method: clinical testing. Allele origin: germline.
Comment: This sequence change replaces glutamine, which is neutral and polar, with glutamic acid, which is acidic and polar, at codon 111 of the ADCY10 protein (p.Gln111Glu). This variant is present in population databases (rs780657148, gnomAD 0.05%). This variant has not been reported in the literature in individuals affected with ADCY10-related conditions. An algorithm developed to predict the effect of missense changes on protein structure and function (PolyPhen-2) suggests that this variant is likely to be tolerated. In summary, the available evidence is currently insufficient to determine the role of this variant in disease. Therefore, it has been classified as a Variant of Uncertain Significance.

NM_018417.6(ADCY10):c.331C>G (p.Gln111Glu)

Genes: ADCY10 (adenylate cyclase 10; minus strand), DCAF6 (DDB1 and CUL4 associated factor 6; plus strand). Cytogenetic location: 1q24.2.
Variant type: single nucleotide variant.
Coding change: c.331C>G on transcript NM_018417.6 (MANE Select); coding-DNA position 331, C replaced by G.
Protein change: p.Gln111Glu; replaces glutamine 111 with glutamic acid.
Molecular consequence: missense variant. On other transcripts: intron variant (1).
Genome position (GRCh38, 1-based): chr1:167,901,767, G>C on the plus strand (C>G on the coding strand, the complement: ADCY10 is on the minus strand). VCF-style: chr1-167901767-G-C. GRCh37 (hg19) VCF-style: chr1-167871005-G-C.
Other names: c.331C>G (NM_018417.4); c.55C>G, p.Gln19Glu (NM_001297772.2); c.-24+249C>G (NM_001167749.3); short protein forms Q111E, Q19E.
Identifiers: ClinVar variation 2770834 (VCV002770834.4), dbSNP rs780657148, ClinGen allele CA1228304.
Genomic context (GRCh38, chr1:167,901,767, plus strand): 5'-CAAACAATCCATGGATCTCCAGGCTACATTTAATTACCACTGTGATAATGTTTTTCAGCT[G>C]CTTTCGCTCCACCCTCCACAGGGCTAGCAGTGCATCACCTTCAGAGAGAGACATGCCGCG-3'
Protein context (NP_060887.2, residues 101-121): LLALWRVERK[Gln111Glu]LKNIITVVIK